The following is an entry in ClinVar:

ClinVar aggregate classification (germline): Likely pathogenic (1 of 4 stars; one submission).

Conditions:
Fabry disease. Also called: ALPHA-GALACTOSIDASE A DEFICIENCY; ANDERSON-FABRY DISEASE; CERAMIDE TRIHEXOSIDASE DEFICIENCY; GLA DEFICIENCY; HEREDITARY DYSTOPIC LIPIDOSIS; Angiokeratoma corporis diffusum. Identifiers: Orphanet 324, MedGen C0002986, MONDO:0010526, OMIM 301500, HP:0001071. Disease mechanism: Fabry disease is due to inactivating mutations in the X-linked GLA gene resulting in deficiency of the enzyme Alpha Galactosidase-A., loss of function.

Submission:

Genomenon, Inc
Classification: Likely pathogenic for Fabry disease. Last evaluated: 2026-09-08. Review status: criteria provided, single submitter. Criteria: Genomenon Sequence Variant Interpretation Standards - Updated. Collection method: curation. Allele origin: germline. Affected: yes.
Comment: GLA p.Tyr184Asn (c.550T>A) is a missense variant that changes the amino acid at codon 184 from Tyrosine to Asparagine. This variant has been observed in at least one proband with clinical features consistent with Fabry disease (PMID:32719972;30477121;30206291;22820434). At least one functional study has demonstrated a substantial alteration in protein function relative to the wild-type (PMID:27657681). It is absent or not present at a significant frequency in gnomAD. In silico models predict that this variant is possibly or probably damaging. In conclusion, we classify GLA p.Tyr184Asn (c.550T>A) as a likely pathogenic variant.

Literature cited by the submitters: PubMed 32719972; PubMed 30477121; PubMed 30206291; PubMed 22820434; PubMed 27657681.

NM_000169.3(GLA):c.550T>A (p.Tyr184Asn)

Genes: GLA (galactosidase alpha; minus strand), RPL36A-HNRNPH2 (RPL36A-HNRNPH2 readthrough; plus strand). Cytogenetic location: Xq22.1.
Variant type: single nucleotide variant.
Coding change: c.550T>A on transcript NM_000169.3 (MANE Select); coding-DNA position 550, T replaced by A.
Protein change: p.Tyr184Asn; replaces tyrosine 184 with asparagine.
Molecular consequence: missense variant. On other transcripts: non-coding transcript variant (2), intron variant (2).
Genome position (GRCh38, 1-based): chrX:101,400,755, A>T on the plus strand (T>A on the coding strand, the complement: GLA is on the minus strand). VCF-style: chrX-101400755-A-T. GRCh37 (hg19) VCF-style: chrX-100655743-A-T.
Other names: c.673T>A, p.Tyr225Asn (NM_001406747.1); c.550T>A, p.Tyr184Asn (NM_001406748.1); c.300+5298A>T (NM_001199973.2); c.177+8933A>T (NM_001199974.2); short protein forms Y184N, Y225N.
Identifiers: ClinVar variation 4087418 (VCV004087418.2).